The following is an entry in ClinVar:

NM_000642.3(AGL):c.2885C>G (p.Ser962Cys)

Gene: AGL (amylo-alpha-1,6-glucosidase and 4-alpha-glucanotransferase; plus strand). Cytogenetic location: 1p21.2.
Variant type: single nucleotide variant.
Coding change: c.2885C>G on transcript NM_000642.3 (MANE Select); coding-DNA position 2885, C replaced by G.
Protein change: p.Ser962Cys; replaces serine 962 with cysteine.
Molecular consequence: missense variant.
Genome position (GRCh38, 1-based): chr1:99,891,292, C>G. VCF-style: chr1-99891292-C-G. GRCh37 (hg19) VCF-style: chr1-100356848-C-G.
Other names: c.2885C>G, p.Ser962Cys (NM_000028.3, NM_000643.3, NM_000644.3 and 1 more transcripts); c.2837C>G, p.Ser946Cys (NM_000646.3); c.2864C>G, p.Ser955Cys (NM_001425326.1); c.2684C>G, p.Ser895Cys (NM_001425327.1); c.2681C>G, p.Ser894Cys (NM_001425328.1); c.2546C>G, p.Ser849Cys (NM_001425329.1); c.2507C>G, p.Ser836Cys (NM_001425332.1); short protein forms S962C, S946C, S836C, S849C, S894C, S895C, S955C.
Identifiers: ClinVar variation 256732 (VCV000256732.24), dbSNP rs34714252, ClinGen allele CA966924.

ClinVar aggregate classification (germline): Benign. Review status: criteria provided, multiple submitters, no conflicts (2 of 4 stars). 9 submissions from 9 submitters: Benign (8). 1 of the submissions does not count toward it. Last evaluated 2026-02-03.

Conditions:
Glycogen storage disease type III (GSD3). Also called: FORBES DISEASE; Cori disease. Identifiers: Orphanet 366, MedGen C0017922, MONDO:0009291, OMIM 232400.

Allele frequency attached by ClinVar (database versions not stated): gnomAD 0.01347 and 0.01465; TOPMed 0.01419; 1000 Genomes Project 0.01558; 1000 Genomes Project 30x 0.01624; ESP Exome Variant Server 0.01661.
gnomAD v4.1: 4,082 of 1,613,666 alleles (0.25%); highest among the groups gnomAD compares: African/African-American, 4.8%; 90 homozygotes.

Submissions (9):

Labcorp Genetics (formerly Invitae), Labcorp
Classification: Benign for Glycogen storage disease type III. Last evaluated: 2026-02-03. Review status: criteria provided, single submitter. Criteria: Invitae Variant Classification Sherloc (09022015). Collection method: clinical testing. Allele origin: germline.

ARUP Laboratories, Molecular Genetics and Genomics, ARUP Laboratories
Classification: Benign. Last evaluated: 2024-11-12. Review status: criteria provided, single submitter. Criteria: ARUP Molecular Germline Variant Investigation Process 2024. Collection method: clinical testing. Allele origin: germline.

Mayo Clinic Laboratories, Mayo Clinic
Classification: Benign. Last evaluated: 2023-01-04. Review status: criteria provided, single submitter. Criteria: ACMG Guidelines, 2015. Collection method: clinical testing. Allele origin: germline. Observed: 39 variant alleles.
Comment: BA1

Genome-Nilou Lab
Classification: Benign for Glycogen storage disease type III. Last evaluated: 2021-07-15. Review status: criteria provided, single submitter. Criteria: ACMG Guidelines, 2015. Collection method: clinical testing. Allele origin: germline. Affected: no.

Illumina Laboratory Services, Illumina
Classification: Benign for Glycogen storage disease type III. Last evaluated: 2018-01-13. Review status: criteria provided, single submitter. Criteria: ICSL Variant Classification Criteria 13 December 2019. Collection method: clinical testing. Allele origin: germline.
Comment: This variant was observed in the ICSL laboratory as part of a predisposition screen in an ostensibly healthy population. It had not been previously curated by ICSL or reported in the Human Gene Mutation Database (HGMD: prior to June 1st, 2018), and was therefore a candidate for classification through an automated scoring system. Utilizing variant allele frequency, disease prevalence and penetrance estimates, and inheritance mode, an automated score was calculated to assess if this variant is too frequent to cause the disease. Based on the score and internal cut-off values, a variant classified as benign is not then subjected to further curation. The score for this variant resulted in a classification of benign for this disease.

GeneDx
Classification: Benign. Last evaluated: 2016-03-09. Review status: criteria provided, single submitter. Criteria: GeneDx Variant Classification (06012015). Collection method: clinical testing. Allele origin: germline. Affected: yes.
Comment: This variant is considered likely benign or benign based on one or more of the following criteria: it is a conservative change, it occurs at a poorly conserved position in the protein, it is predicted to be benign by multiple in silico algorithms, and/or has population frequency not consistent with disease.

Breakthrough Genomics
Classification: Benign. Review status: criteria provided, single submitter. Criteria: ACMG Guidelines, 2015. Collection method: not provided. Allele origin: germline. Inheritance: Autosomal recessive inheritance. Affected: yes.

PreventionGenetics, part of Exact Sciences
Classification: Benign. Review status: criteria provided, single submitter. Criteria: ACMG Guidelines, 2015. Collection method: clinical testing. Allele origin: germline.

Natera, Inc.
Classification: Benign for Glycogen storage disease type III. Last evaluated: 2020-09-16. Review status: no assertion criteria provided. Collection method: clinical testing. Allele origin: germline. Not counted in ClinVar's aggregate classification.